The following is an entry in ClinVar:

NM_020461.4(TUBGCP6):c.4382C>T (p.Pro1461Leu)

Gene: TUBGCP6 (tubulin gamma complex component 6; minus strand). Cytogenetic location: 22q13.33.
Variant type: single nucleotide variant.
Coding change: c.4382C>T on transcript NM_020461.4 (MANE Select); coding-DNA position 4382, C replaced by T.
Protein change: p.Pro1461Leu; replaces proline 1461 with leucine.
Molecular consequence: missense variant.
Genome position (GRCh38, 1-based): chr22:50,219,390, G>A on the plus strand (C>T on the coding strand, the complement: TUBGCP6 is on the minus strand). VCF-style: chr22-50219390-G-A. GRCh37 (hg19) VCF-style: chr22-50657819-G-A.
Other names: c.4382C>T (NM_020461.3); short protein forms P1461L.
Identifiers: ClinVar variation 1011460 (VCV001011460.6), dbSNP rs377098697, ClinGen allele CA10307524.

ClinVar aggregate classification (germline): Uncertain significance. Review status: criteria provided, multiple submitters, no conflicts (2 of 4 stars). 3 submissions from 3 submitters: Uncertain significance (3). Last evaluated 2024-07-08.

Conditions:
Inborn genetic diseases. Identifiers: MedGen C0950123, MeSH D030342.

Allele frequency attached by ClinVar (database versions not stated): gnomAD exomes 0.00007; ExAC 0.00011; gnomAD 0.00015 and 0.00018; TOPMed 0.00022; ESP Exome Variant Server 0.00031.
gnomAD v4.1: 83 of 1,575,824 alleles (0.0053%); highest among the groups gnomAD compares: African/African-American, 0.051%; no homozygotes.

Submissions (3):

Ambry Genetics
Classification: Uncertain significance for Inborn genetic diseases. Last evaluated: 2024-07-08. Review status: criteria provided, single submitter. Criteria: Ambry Variant Classification Scheme 2023. Collection method: clinical testing. Allele origin: germline.

Blueprint Genetics
Classification: Uncertain significance. Last evaluated: 2023-10-24. Review status: criteria provided, single submitter. Criteria: ACMG Guidelines, 2015. Collection method: clinical testing. Allele origin: germline.

Labcorp Genetics (formerly Invitae), Labcorp
Classification: Uncertain significance. Last evaluated: 2022-07-25. Review status: criteria provided, single submitter. Criteria: Invitae Variant Classification Sherloc (09022015). Collection method: clinical testing. Allele origin: germline.
Comment: This sequence change replaces proline, which is neutral and non-polar, with leucine, which is neutral and non-polar, at codon 1461 of the TUBGCP6 protein (p.Pro1461Leu). This variant is present in population databases (rs377098697, gnomAD 0.04%). This variant has not been reported in the literature in individuals affected with TUBGCP6-related conditions. ClinVar contains an entry for this variant (Variation ID: 1011460). Algorithms developed to predict the effect of missense changes on protein structure and function output the following: SIFT: "Deleterious"; PolyPhen-2: "Possibly Damaging"; Align-GVGD: "Class C0". The leucine amino acid residue is found in multiple mammalian species, which suggests that this missense change does not adversely affect protein function. In summary, the available evidence is currently insufficient to determine the role of this variant in disease. Therefore, it has been classified as a Variant of Uncertain Significance.